The following is an entry in ClinVar:

NM_000059.4(BRCA2):c.3679_3683del (p.Leu1227fs)

Gene: BRCA2 (BRCA2 DNA repair associated; plus strand). Cytogenetic location: 13q13.1.
Variant type: Deletion.
Coding change: c.3679_3683del on transcript NM_000059.4 (MANE Select); coding-DNA positions 3679 to 3683, 5 bases deleted (CTGAA; older notation c.3679_3683delCTGAA).
Protein change: p.Leu1227fs; shifts the reading frame from leucine 1227.
Molecular consequence: frameshift variant.
Genome position (GRCh38, 1-based): chr13:32,338,034-32,338,038, CTGAA deleted; deleting any 5 consecutive bases within chr13:32,338,032-32,338,038 gives the same sequence; the c. name uses the placement nearest the transcript's 3' end. VCF-style (leftmost placement, unchanged base first): chr13-32338031-AAACTG-A. GRCh37 (hg19) VCF-style: chr13-32912168-AAACTG-A.
Other names: c.3679_3683delCTGAA (NM_000059.3); short protein forms L1227fs.
Identifiers: ClinVar variation 491254 (VCV000491254.9), dbSNP rs1555283355, ClinGen allele CA658683868.

ClinVar aggregate classification (germline): Pathogenic. Review status: criteria provided, multiple submitters, no conflicts (2 of 4 stars). 3 submissions from 3 submitters: Pathogenic (3). Last evaluated 2023-11-22.

Conditions:
Hereditary cancer-predisposing syndrome. Also called: Hereditary Cancer Syndrome; Neoplastic Syndromes, Hereditary; Tumor predisposition; Hereditary neoplastic syndrome. Identifiers: Orphanet 140162, MedGen C0027672, MeSH D009386, MONDO:0015356.
Breast-ovarian cancer, familial, susceptibility to, 2 (BROVCA2). Also called: BRCA2 Hereditary Breast and Ovarian Cancer. Identifiers: Orphanet 145, MedGen C2675520, MONDO:0012933, OMIM 612555. Disease mechanism: loss of function.

Submissions (3):

Ambry Genetics
Classification: Pathogenic for Hereditary cancer-predisposing syndrome. Last evaluated: 2023-11-22. Review status: criteria provided, single submitter. Criteria: Ambry Variant Classification Scheme 2023. Collection method: clinical testing. Allele origin: germline.
Comment: The c.3679_3683delCTGAA pathogenic mutation, located in coding exon 10 of the BRCA2 gene, results from a deletion of 5 nucleotides at nucleotide positions 3679 to 3683, causing a translational frameshift with a predicted alternate stop codon (p.L1227Cfs*4). This variant is considered to be rare based on population cohorts in the Genome Aggregation Database (gnomAD). This alteration is expected to result in loss of function by premature protein truncation or nonsense-mediated mRNA decay. As such, this alteration is interpreted as a disease-causing mutation.

Genetics and Molecular Pathology, SA Pathology
Classification: Pathogenic for Breast-ovarian cancer, familial, susceptibility to, 2. Last evaluated: 2022-04-08. Review status: criteria provided, single submitter. Criteria: ACMG Guidelines, 2015. Collection method: clinical testing. Allele origin: germline. Affected: yes.

Color Diagnostics, LLC DBA Color Health
Classification: Pathogenic for Hereditary cancer-predisposing syndrome. Last evaluated: 2022-01-14. Review status: criteria provided, single submitter. Criteria: ACMG Guidelines, 2015. Collection method: clinical testing. Allele origin: germline.
Comment: This variant deletes 5 nucleotides in exon 11 of the BRCA2 gene, creating a frameshift and premature translation stop signal. This variant is expected to result in an absent or non-functional protein product. This variant has not been identified in the general population by the Genome Aggregation Database (gnomAD). Loss of BRCA2 function is a known mechanism of disease. Based on the available evidence, this variant is classified as Pathogenic.